The following is an entry in ClinVar:

NM_001184.4(ATR):c.5446A>G (p.Ile1816Val)

Gene: ATR (ATR checkpoint kinase; minus strand). Cytogenetic location: 3q23.
Variant type: single nucleotide variant.
Coding change: c.5446A>G on transcript NM_001184.4 (MANE Select); coding-DNA position 5446, A replaced by G.
Protein change: p.Ile1816Val; replaces isoleucine 1816 with valine.
Molecular consequence: missense variant.
Genome position (GRCh38, 1-based): chr3:142,498,709, T>C on the plus strand (A>G on the coding strand, the complement: ATR is on the minus strand). VCF-style: chr3-142498709-T-C. GRCh37 (hg19) VCF-style: chr3-142217551-T-C.
Other names: c.5254A>G, p.Ile1752Val (NM_001354579.2); short protein forms I1752V, I1816V.
Identifiers: ClinVar variation 1400690 (VCV001400690.8), dbSNP rs2108341396, ClinGen allele CA354815983.
Genomic context (GRCh38, chr3:142,498,709, plus strand): 5'-CTGAAAGAGGTACAATTTGTTCTGCTCTCACTAGTTTCAGTGAGTCATAAAAAGCTGTGA[T>C]ATCTCTTTTTTTGGCTGATAATAATAGCTGTCCCAGTCTGACACTCCATGTTGTAGATTT-3'
Protein context (NP_001175.2, residues 1806-1826): QLLLSAKKRD[Ile1816Val]TAFYDSLKLV

ClinVar aggregate classification (germline): Uncertain significance (1 of 4 stars; one submission).

gnomAD v4.1: 2 of 1,614,042 alleles (0.00012%); highest among the groups gnomAD compares: Non-Finnish European, 0.00017%; no homozygotes.

Submission:

Labcorp Genetics (formerly Invitae), Labcorp
Classification: Uncertain significance. Last evaluated: 2021-07-09. Review status: criteria provided, single submitter. Criteria: Invitae Variant Classification Sherloc (09022015). Collection method: clinical testing. Allele origin: germline.
Comment: This sequence change replaces isoleucine with valine at codon 1816 of the ATR protein (p.Ile1816Val). The isoleucine residue is weakly conserved and there is a small physicochemical difference between isoleucine and valine. This variant is not present in population databases (ExAC no frequency). This variant has not been reported in the literature in individuals with ATR-related conditions. Algorithms developed to predict the effect of missense changes on protein structure and function output the following: SIFT: "Tolerated"; PolyPhen-2: "Benign"; Align-GVGD: "Class C0". The valine amino acid residue is found in multiple mammalian species, suggesting that this missense change does not adversely affect protein function. These predictions have not been confirmed by published functional studies and their clinical significance is uncertain. In summary, the available evidence is currently insufficient to determine the role of this variant in disease. Therefore, it has been classified as a Variant of Uncertain Significance.